The following is an entry in ClinVar:

ClinVar aggregate classification (germline): Uncertain significance (1 of 4 stars; one submission).

Submission:

Labcorp Genetics (formerly Invitae), Labcorp
Classification: Uncertain significance. Last evaluated: 2025-07-02. Review status: criteria provided, single submitter. Criteria: Invitae Variant Classification Sherloc (09022015). Collection method: clinical testing. Allele origin: germline.
Comment: This variant, c.279_296del, results in the deletion of 6 amino acid(s) of the SLC12A2 protein (p.Ala102_Ala107del), but otherwise preserves the integrity of the reading frame. This variant is not present in population databases (gnomAD no frequency). This variant has not been reported in the literature in individuals affected with SLC12A2-related conditions. Experimental studies and prediction algorithms are not available or were not evaluated, and the functional significance of this variant is currently unknown. In summary, the available evidence is currently insufficient to determine the role of this variant in disease. Therefore, it has been classified as a Variant of Uncertain Significance.

NM_001046.3(SLC12A2):c.279_296del (p.Ala102_Ala107del)

Genes: SLC12A2 (solute carrier family 12 member 2; plus strand), LOC129994526 (ATAC-STARR-seq lymphoblastoid silent region 16295; plus strand). Cytogenetic location: 5q23.3.
Variant type: Deletion.
Coding change: c.279_296del on transcript NM_001046.3 (MANE Select); coding-DNA positions 279 to 296, 18 bases deleted (CGCTGCTGCGGCGGCGGC).
Protein change: p.Ala102_Ala107del.
Molecular consequence: inframe deletion. On other transcripts: non-coding transcript variant (1).
Genome position (GRCh38, 1-based): chr5:128,084,233-128,084,250, CGCTGCTGCGGCGGCGGC deleted; deleting any 18 consecutive bases within chr5:128,084,230-128,084,250 gives the same sequence; the c. name uses the placement nearest the transcript's 3' end. VCF-style (leftmost placement, unchanged base first): chr5-128084229-GGGCCGCTGCTGCGGCGGC-G. GRCh37 (hg19) VCF-style: chr5-127419921-GGGCCGCTGCTGCGGCGGC-G.
Other names: c.279_296del, p.Ala102_Ala107del (NM_001256461.2).
Identifiers: ClinVar variation 4752022 (VCV004752022.1).